The following is an entry in ClinVar:

ClinVar aggregate classification (germline): Likely pathogenic (1 of 4 stars; one submission).

Submission:

CeGaT Center for Human Genetics Tuebingen
Classification: Likely pathogenic. Last evaluated: 2024-02-01. Review status: criteria provided, single submitter. Criteria: CeGaT Center For Human Genetics Tuebingen Variant Classification Criteria Version 2. Collection method: clinical testing. Allele origin: germline. Affected: yes. Observed: 1 variant allele.
Comment: CD40LG: PVS1:Strong, PM2

NM_000074.3(CD40LG):c.510T>A (p.Tyr170Ter)

Gene: CD40LG (CD40 ligand; plus strand). Cytogenetic location: Xq26.3.
Variant type: single nucleotide variant.
Coding change: c.510T>A on transcript NM_000074.3 (MANE Select); coding-DNA position 510, T replaced by A.
Protein change: p.Tyr170Ter; replaces tyrosine 170 with a stop codon.
Molecular consequence: nonsense.
Genome position (GRCh38, 1-based): chrX:136,659,139, T>A. VCF-style: chrX-136659139-T-A. GRCh37 (hg19) VCF-style: chrX-135741298-T-A.
Other names: short protein forms Y170*.
Identifiers: ClinVar variation 3027279 (VCV003027279.22), dbSNP rs2522117925, ClinGen allele CA414755772.